The following is an entry in ClinVar:

NM_000498.3(CYP11B2):c.978del (p.Leu327fs)

Genes: CYP11B2 (cytochrome P450 family 11 subfamily B member 2; minus strand), LOC106799834 (CYP11B2 recombination region; plus strand). Cytogenetic location: 8q24.3.
Variant type: Deletion.
Coding change: c.978del on transcript NM_000498.3 (MANE Select); coding-DNA position 978, one base deleted (G; older notation c.978delG).
Protein change: p.Leu327fs; shifts the reading frame from leucine 327.
Molecular consequence: frameshift variant.
Genome position (GRCh38, 1-based): chr8:142,913,428, C deleted on the plus strand (G on the coding strand, the reverse complement: CYP11B2 is on the minus strand). VCF-style (leftmost placement, unchanged base first): chr8-142913427-GC-G. GRCh37 (hg19) VCF-style: chr8-143994843-GC-G.
Other names: short protein forms L327fs.
Identifiers: ClinVar variation 2773293 (VCV002773293.3), dbSNP rs2488699157, ClinGen allele CA2697550179.

ClinVar aggregate classification (germline): Pathogenic (1 of 4 stars; one submission).

Submission:

Labcorp Genetics (formerly Invitae), Labcorp
Classification: Pathogenic. Last evaluated: 2023-11-01. Review status: criteria provided, single submitter. Criteria: Invitae Variant Classification Sherloc (09022015). Collection method: clinical testing. Allele origin: germline.
Comment: This sequence change creates a premature translational stop signal (p.Leu327Serfs*60) in the CYP11B2 gene. It is expected to result in an absent or disrupted protein product. Loss-of-function variants in CYP11B2 are known to be pathogenic (PMID: 20494601, 22801770, 26936515). This variant is not present in population databases (gnomAD no frequency). This variant has not been reported in the literature in individuals affected with CYP11B2-related conditions. Algorithms developed to predict the effect of sequence changes on RNA splicing suggest that this variant may create or strengthen a splice site. For these reasons, this variant has been classified as Pathogenic.

Literature cited by the submitters: PubMed 20494601; PubMed 22801770; PubMed 26936515.